The following is an entry in ClinVar:

ClinVar aggregate classification (germline): Uncertain significance (1 of 4 stars; one submission).

Conditions:
PSTPIP1-related disorder. Also called: PSTPIP1-related condition.

Submission:

PreventionGenetics, part of Exact Sciences
Classification: Uncertain significance for PSTPIP1-related condition. Last evaluated: 2025-09-10. Review status: criteria provided, single submitter. Criteria: ACMG Guidelines, 2015. Collection method: clinical testing. Allele origin: germline.
Comment: The PSTPIP1 c.742-7G>A variant is predicted to interfere with splicing. To our knowledge, this variant has not been reported in the literature or in a large population database (gnomAD), indicating this variant is rare. At this time, the clinical significance of this variant is uncertain due to the absence of conclusive functional and genetic evidence.

NM_003978.5(PSTPIP1):c.742-7G>A

Gene: PSTPIP1 (proline-serine-threonine phosphatase interacting protein 1; plus strand). Cytogenetic location: 15q24.3.
Variant type: single nucleotide variant.
Coding change: c.742-7G>A on transcript NM_003978.5 (MANE Select); 7 bases into the intron before coding-DNA position 742, G replaced by A.
Molecular consequence: intron variant.
Genome position (GRCh38, 1-based): chr15:77,032,291, G>A. VCF-style: chr15-77032291-G-A. GRCh37 (hg19) VCF-style: chr15-77324632-G-A.
Other names: c.937-7G>A (NM_001321137.1); c.715-7G>A (NM_001321136.2); c.742-7G>A (NM_001321135.2, NM_001411086.1).
Identifiers: ClinVar variation 4982723 (VCV004982723.1).